The following is an entry in ClinVar:

NM_145698.5(ACBD5):c.1151G>A (p.Arg384Gln)

Gene: ACBD5 (acyl-CoA binding domain containing 5; minus strand). Cytogenetic location: 10p12.1.
Variant type: single nucleotide variant.
Coding change: c.1151G>A on transcript NM_145698.5 (MANE Select); coding-DNA position 1151, G replaced by A.
Protein change: p.Arg384Gln; replaces arginine 384 with glutamine.
Molecular consequence: missense variant.
Genome position (GRCh38, 1-based): chr10:27,210,867, C>T on the plus strand (G>A on the coding strand, the complement: ACBD5 is on the minus strand). VCF-style: chr10-27210867-C-T. GRCh37 (hg19) VCF-style: chr10-27499796-C-T.
Other names: c.1046G>A, p.Arg349Gln (NM_001042473.4, NM_001352577.2, NM_001352578.2 and 1 more transcripts); c.1145G>A, p.Arg382Gln (NM_001271512.3); c.824G>A, p.Arg275Gln (NM_001301251.2, NM_001301252.2, NM_001301253.2 and 2 more transcripts); c.620G>A, p.Arg207Gln (NM_001301254.2); c.1205G>A, p.Arg402Gln (NM_001352568.1); c.1184G>A, p.Arg395Gln (NM_001352569.1); c.1151G>A, p.Arg384Gln (NM_001352570.1); c.1178G>A, p.Arg393Gln (NM_001352571.1); and 10 more; short protein forms R281Q, R316Q, R360Q, R377Q, R382Q, R393Q, R395Q, R402Q.
Identifiers: ClinVar variation 1440737 (VCV001440737.6), dbSNP rs376218851, ClinGen allele CA5450740.

ClinVar aggregate classification (germline): Uncertain significance (1 of 4 stars; one submission).

Allele frequency attached by ClinVar (database versions not stated): gnomAD 0.00002 and 0.00003; gnomAD exomes 0.00002 and 0.00004; TOPMed 0.00002; ExAC 0.00003; ESP Exome Variant Server 0.00008; 1000 Genomes Project 30x 0.00016; 1000 Genomes Project 0.00020.
gnomAD v4.1: 38 of 1,614,216 alleles (0.0024%); highest among the groups gnomAD compares: East Asian, 0.022%; no homozygotes.

Submission:

Labcorp Genetics (formerly Invitae), Labcorp
Classification: Uncertain significance. Last evaluated: 2025-02-17. Review status: criteria provided, single submitter. Criteria: Invitae Variant Classification Sherloc (09022015). Collection method: clinical testing. Allele origin: germline.
Comment: This sequence change replaces arginine, which is basic and polar, with glutamine, which is neutral and polar, at codon 384 of the ACBD5 protein (p.Arg384Gln). This variant is present in population databases (rs376218851, gnomAD 0.04%). This variant has not been reported in the literature in individuals affected with ACBD5-related conditions. ClinVar contains an entry for this variant (Variation ID: 1440737). Invitae Evidence Modeling of protein sequence and biophysical properties (such as structural, functional, and spatial information, amino acid conservation, physicochemical variation, residue mobility, and thermodynamic stability) indicates that this missense variant is not expected to disrupt ACBD5 protein function with a negative predictive value of 80%. In summary, the available evidence is currently insufficient to determine the role of this variant in disease. Therefore, it has been classified as a Variant of Uncertain Significance.